The following is an entry in ClinVar:

NM_198334.3(GANAB):c.2280_2281del (p.Gly761fs)

Gene: GANAB (glucosidase II alpha subunit; minus strand). Cytogenetic location: 11q12.3.
Variant type: Deletion.
Coding change: c.2280_2281del on transcript NM_198334.3 (MANE Select); coding-DNA positions 2280 to 2281, 2 bases deleted (TG; older notation c.2280_2281delTG).
Protein change: p.Gly761fs; shifts the reading frame from glycine 761.
Molecular consequence: frameshift variant.
Genome position (GRCh38, 1-based): chr11:62,627,089-62,627,090, CA deleted on the plus strand (TG on the coding strand, the reverse complement: GANAB is on the minus strand). VCF-style (leftmost placement, unchanged base first): chr11-62627088-CCA-C. GRCh37 (hg19) VCF-style: chr11-62394560-CCA-C.
Other names: c.2346_2347del, p.Gly783fs (NM_198335.4); c.2004_2005del, p.Gly669fs (NM_001278192.2); c.1938_1939del, p.Gly647fs (NM_001278193.2); c.1989_1990del, p.Gly664fs (NM_001278194.2, NM_001329222.2, NM_001329223.2); c.1557_1558del, p.Gly520fs (NM_001329224.2, NM_001329225.2); short protein forms G520fs, G664fs, G783fs, G647fs, G669fs, G761fs.
Identifiers: ClinVar variation 2700204 (VCV002700204.3), dbSNP rs2496300697, ClinGen allele CA2613976662.
Genomic context (GRCh38, chr11:62,627,088, plus strand): 5'-CATGCCCTTCCTTAACTCACCTCCCCTTGGCCAGGCAGATAGACCTGGACACCATGGGCT[CCA>C]GAGTCTGATACAGGGTGAACCAGCAACGCATCCCCTAAAATATGCCAGAATCAACTCTGA-3'

ClinVar aggregate classification (germline): Pathogenic (1 of 4 stars; one submission).

Submission:

Labcorp Genetics (formerly Invitae), Labcorp
Classification: Pathogenic. Last evaluated: 2023-12-01. Review status: criteria provided, single submitter. Criteria: Invitae Variant Classification Sherloc (09022015). Collection method: clinical testing. Allele origin: germline.
Comment: This sequence change creates a premature translational stop signal (p.Gly783Serfs*17) in the GANAB gene. It is expected to result in an absent or disrupted protein product. Loss-of-function variants in GANAB are known to be pathogenic (PMID: 27259053). This variant is not present in population databases (gnomAD no frequency). This variant has not been reported in the literature in individuals affected with GANAB-related conditions. Algorithms developed to predict the effect of sequence changes on RNA splicing suggest that this variant may disrupt the consensus splice site. For these reasons, this variant has been classified as Pathogenic.

Literature cited by the submitters: PubMed 27259053.